The following is an entry in ClinVar:

ClinVar aggregate classification (germline): Conflicting classifications of pathogenicity. Review status: criteria provided, conflicting classifications (1 of 4 stars). 2 submissions from 2 submitters: Uncertain significance (1); Likely benign (1). Last evaluated 2025-05-16.

Conditions:
Inborn genetic diseases. Identifiers: MedGen C0950123, MeSH D030342.

Allele frequency attached by ClinVar (database versions not stated): TOPMed 0.00001; gnomAD 0.00002; gnomAD exomes 0.00003.

Submissions (2):

Ambry Genetics
Classification: Likely benign for Inborn genetic diseases. Last evaluated: 2025-05-16. Review status: criteria provided, single submitter. Criteria: Ambry Variant Classification Scheme 2023. Collection method: clinical testing. Allele origin: germline.

Labcorp Genetics (formerly Invitae), Labcorp
Classification: Uncertain significance. Last evaluated: 2022-08-20. Review status: criteria provided, single submitter. Criteria: Invitae Variant Classification Sherloc (09022015). Collection method: clinical testing. Allele origin: germline.
Comment: Algorithms developed to predict the effect of missense changes on protein structure and function output the following: SIFT: "Tolerated"; PolyPhen-2: "Benign"; Align-GVGD: "Class C0". The arginine amino acid residue is found in multiple mammalian species, which suggests that this missense change does not adversely affect protein function. This sequence change replaces glutamine, which is neutral and polar, with arginine, which is basic and polar, at codon 720 of the PLG protein (p.Gln720Arg). This variant is present in population databases (rs200731501, gnomAD 0.002%). This variant has not been reported in the literature in individuals affected with PLG-related conditions. In summary, the available evidence is currently insufficient to determine the role of this variant in disease. Therefore, it has been classified as a Variant of Uncertain Significance.

NM_000301.5(PLG):c.2159A>G (p.Gln720Arg)

Gene: PLG (plasminogen; plus strand). Cytogenetic location: 6q26.
Variant type: single nucleotide variant.
Coding change: c.2159A>G on transcript NM_000301.5 (MANE Select); coding-DNA position 2159, A replaced by G.
Protein change: p.Gln720Arg; replaces glutamine 720 with arginine.
Molecular consequence: missense variant.
Genome position (GRCh38, 1-based): chr6:160,752,148, A>G. VCF-style: chr6-160752148-A-G. GRCh37 (hg19) VCF-style: chr6-161173180-A-G.
Other names: short protein forms Q720R.
Identifiers: ClinVar variation 1911690 (VCV001911690.6), dbSNP rs200731501, ClinGen allele CA151246074.